The following is an entry in ClinVar:

NM_002734.5(PRKAR1A):c.611C>G (p.Ala204Gly)

Gene: PRKAR1A (protein kinase cAMP-dependent type I regulatory subunit alpha; plus strand). Cytogenetic location: 17q24.2.
Variant type: single nucleotide variant.
Coding change: c.611C>G on transcript NM_002734.5 (MANE Select); coding-DNA position 611, C replaced by G.
Protein change: p.Ala204Gly; replaces alanine 204 with glycine.
Molecular consequence: missense variant.
Genome position (GRCh38, 1-based): chr17:68,525,815, C>G. VCF-style: chr17-68525815-C-G. GRCh37 (hg19) VCF-style: chr17-66521956-C-G.
Other names: c.611C>G, p.Ala204Gly (NM_001276289.2, NM_001276290.1, NM_001278433.2 and 4 more transcripts); short protein forms A204G.
Identifiers: ClinVar variation 1473020 (VCV001473020.8), dbSNP rs2143322631, ClinGen allele CA400753189.

ClinVar aggregate classification (germline): Uncertain significance (1 of 4 stars; one submission).

Conditions:
Carney complex, type 1 (CNC1). Also called: CARNEY MYXOMA-ENDOCRINE COMPLEX; CARNEY COMPLEX, TYPE I. Identifiers: Orphanet 1359, MedGen C2607929, MONDO:0008057, OMIM 160980.

Submission:

Labcorp Genetics (formerly Invitae), Labcorp
Classification: Uncertain significance for Carney complex, type 1. Last evaluated: 2022-07-26. Review status: criteria provided, single submitter. Criteria: Invitae Variant Classification Sherloc (09022015). Collection method: clinical testing. Allele origin: germline.
Comment: Algorithms developed to predict the effect of missense changes on protein structure and function (SIFT, PolyPhen-2, Align-GVGD) all suggest that this variant is likely to be disruptive. In summary, the available evidence is currently insufficient to determine the role of this variant in disease. Therefore, it has been classified as a Variant of Uncertain Significance. ClinVar contains an entry for this variant (Variation ID: 1473020). This sequence change replaces alanine, which is neutral and non-polar, with glycine, which is neutral and non-polar, at codon 204 of the PRKAR1A protein (p.Ala204Gly). This variant is not present in population databases (gnomAD no frequency). This variant has not been reported in the literature in individuals affected with PRKAR1A-related conditions.